The following is an entry in ClinVar:

NM_001144967.3(NEDD4L):c.302G>A (p.Arg101Gln)

Genes: NEDD4L (NEDD4 like E3 ubiquitin protein ligase; plus strand), LOC126862763 (CDK7 strongly-dependent group 2 enhancer GRCh37_chr18:55982687-55983886; plus strand). Cytogenetic location: 18q21.31.
Variant type: single nucleotide variant.
Coding change: c.302G>A on transcript NM_001144967.3 (MANE Select); coding-DNA position 302, G replaced by A.
Protein change: p.Arg101Gln; replaces arginine 101 with glutamine.
Molecular consequence: missense variant. On other transcripts: 5 prime UTR variant (5).
Genome position (GRCh38, 1-based): chr18:58,315,986, G>A. VCF-style: chr18-58315986-G-A. GRCh37 (hg19) VCF-style: chr18-55983218-G-A.
Other names: c.-62G>A (NM_001144964.1, NM_001144965.2, NM_001144966.3 and 2 more transcripts); c.278G>A, p.Arg93Gln (NM_001144968.2, NM_001144969.2); c.302G>A, p.Arg101Gln (NM_001243960.2, NM_015277.6); c.1139G>A, p.Arg380Gln (NM_001437337.1); short protein forms R380Q, R93Q, R101Q.
Identifiers: ClinVar variation 4718268 (VCV004718268.1).

ClinVar aggregate classification (germline): Uncertain significance (1 of 4 stars; one submission).

gnomAD v4.1: 5 of 1,613,294 alleles (0.00031%); highest among the groups gnomAD compares: Non-Finnish European, 0.00034%; no homozygotes.

Submission:

Labcorp Genetics (formerly Invitae), Labcorp
Classification: Uncertain significance. Last evaluated: 2025-05-07. Review status: criteria provided, single submitter. Criteria: Invitae Variant Classification Sherloc (09022015). Collection method: clinical testing. Allele origin: germline.
Comment: This sequence change replaces arginine, which is basic and polar, with glutamine, which is neutral and polar, at codon 101 of the NEDD4L protein (p.Arg101Gln). This variant is present in population databases (no rsID available, gnomAD no frequency). This variant has not been reported in the literature in individuals affected with NEDD4L-related conditions. Invitae Evidence Modeling of protein sequence and biophysical properties (such as structural, functional, and spatial information, amino acid conservation, physicochemical variation, residue mobility, and thermodynamic stability) indicates that this missense variant is not expected to disrupt NEDD4L protein function with a negative predictive value of 80%. In summary, the available evidence is currently insufficient to determine the role of this variant in disease. Therefore, it has been classified as a Variant of Uncertain Significance.